The following is an entry in ClinVar:

ClinVar aggregate classification (germline): Uncertain significance (1 of 4 stars; one submission).

Submission:

Women's Health and Genetics/Laboratory Corporation of America, LabCorp
Classification: Uncertain significance. Last evaluated: 2016-06-14. Review status: criteria provided, single submitter. Criteria: LabCorp Variant Classification Summary - May 2015. Collection method: clinical testing. Allele origin: germline.
Comment: Variant summary: The SLC34A3 c.560+22T>C variant involves the alteration of a non-conserved nucleotide. One in silico tool predicts a benign outcome for this variant. 5/5 splice prediction tools predict no significant impact on normal splicing. This variant is absent in 75666 control chromosomes. The variant of interest has not, to our knowledge, been reported in affected individuals via publications and/or reputable databases/clinical diagnostic laboratories; nor evaluated for functional impact by in vivo/vitro studies. Taken together, this variant is classified as VUS-possibly benign until additional information is available.

NM_001177316.2(SLC34A3):c.560+22T>C

Gene: SLC34A3 (solute carrier family 34 member 3; plus strand). Cytogenetic location: 9q34.3.
Variant type: single nucleotide variant.
Coding change: c.560+22T>C on transcript NM_001177316.2 (MANE Select); 22 bases into the intron after coding-DNA position 560, T replaced by C.
Molecular consequence: intron variant.
Genome position (GRCh38, 1-based): chr9:137,233,137, T>C. VCF-style: chr9-137233137-T-C. GRCh37 (hg19) VCF-style: chr9-140127589-T-C.
Other names: c.560+22T>C (NM_001177317.2, NM_080877.3).
Identifiers: ClinVar variation 496509 (VCV000496509.2), dbSNP rs1554783285, ClinGen allele CA658683560.
Genomic context (GRCh38, chr9:137,233,137, plus strand): 5'-CTCAATGGCGCAGTCAGGGGACCGGGATGAATTTCAGAGGTGAGTTGTGGGTGGAAGGGC[T>C]GGGCTGGGGCTGCAGTGGCAGCCCCAGCCCGGGCCCCCCCACCTGACCCTGCCCACTCTC-3'